The following is an entry in ClinVar:

ClinVar aggregate classification (germline): Pathogenic/Likely pathogenic. Review status: criteria provided, multiple submitters, no conflicts (2 of 4 stars). 4 submissions from 4 submitters: Pathogenic (3); Likely pathogenic (1). Last evaluated 2025-08-07.

Conditions:
Sulfite oxidase deficiency due to molybdenum cofactor deficiency type A. Also called: Molybdenum cofactor deficiency, complementation group A; Molybdenum Cofactor Deficiency A. Identifiers: Orphanet 308386, Orphanet 833, MedGen C1854988, MONDO:0009643, OMIM 252150.

Allele frequency attached by ClinVar (database versions not stated): ExAC 0.00001; TOPMed 0.00002; ESP Exome Variant Server 0.00008.
gnomAD v4.1: 8 of 1,612,922 alleles (0.0005%); highest among the groups gnomAD compares: Admixed American, 0.0033%; no homozygotes.

Submissions (4):

Labcorp Genetics (formerly Invitae), Labcorp
Classification: Pathogenic for Sulfite oxidase deficiency due to molybdenum cofactor deficiency type A. Last evaluated: 2025-08-07. Review status: criteria provided, single submitter. Criteria: Invitae Variant Classification Sherloc (09022015). Collection method: clinical testing. Allele origin: germline.
Comment: This sequence change affects a donor splice site in intron 9 of the MOCS1 gene. It is expected to disrupt RNA splicing. Variants that disrupt the donor or acceptor splice site typically lead to a loss of protein function (PMID: 16199547), and loss-of-function variants in MOCS1 are known to be pathogenic (PMID: 12754701, 16021469). The frequency data for this variant in the population databases is considered unreliable, as metrics indicate poor data quality at this position in the gnomAD database. Disruption of this splice site has been observed in individuals with molybdenum cofactor deficiency (PMID: 9921896, 27289259). ClinVar contains an entry for this variant (Variation ID: 265444). Algorithms developed to predict the effect of sequence changes on RNA splicing suggest that this variant may disrupt the consensus splice site. For these reasons, this variant has been classified as Pathogenic.

GeneDx
Classification: Pathogenic. Last evaluated: 2024-08-03. Review status: criteria provided, single submitter. Criteria: GeneDx Variant Classification Process June 2021. Collection method: clinical testing. Allele origin: germline. Affected: yes.
Comment: Observed in a patient with features of MOCS1-related molybdenum cofactor deficiency who also possessed a second variant in the MOCS1 gene (PMID: 9921896); Canonical splice site variant predicted to result in a null allele in a gene for which loss of function is a known mechanism of disease; Not observed at significant frequency in large population cohorts (gnomAD); This variant is associated with the following publications: (PMID: 25525159, 31589614, 27289259, 35192225, 9921896)

Fulgent Genetics
Classification: Likely pathogenic for Sulfite oxidase deficiency due to molybdenum cofactor deficiency type A. Last evaluated: 2024-05-31. Review status: criteria provided, single submitter. Criteria: ACMG Guidelines, 2015. Collection method: clinical testing. Allele origin: germline.

CeGaT Center for Human Genetics Tuebingen
Classification: Pathogenic. Last evaluated: 2020-04-01. Review status: criteria provided, single submitter. Criteria: CeGaT Center For Human Genetics Tuebingen Variant Classification Criteria Version 2. Collection method: clinical testing. Allele origin: germline. Affected: yes. Observed: 2 variant alleles.

Literature cited by the submitters: PubMed 16199547 (cited by Labcorp Genetics (formerly Invitae), Labcorp); PubMed 12754701 (cited by Labcorp Genetics (formerly Invitae), Labcorp); PubMed 16021469 (cited by Labcorp Genetics (formerly Invitae), Labcorp); PubMed 9921896 (cited by Labcorp Genetics (formerly Invitae), Labcorp); PubMed 27289259 (cited by Labcorp Genetics (formerly Invitae), Labcorp).

NM_001358530.2(MOCS1):c.1102+1G>A

Gene: MOCS1 (molybdenum cofactor synthesis 1; minus strand). Cytogenetic location: 6p21.2.
Variant type: single nucleotide variant.
Coding change: c.1102+1G>A on transcript NM_001358530.2 (MANE Select); the canonical splice donor site of the intron after coding-DNA position 1102, G replaced by A.
Molecular consequence: splice donor variant.
Genome position (GRCh38, 1-based): chr6:39,909,834, C>T on the plus strand (G>A on the coding strand, the complement: MOCS1 is on the minus strand). VCF-style: chr6-39909834-C-T. GRCh37 (hg19) VCF-style: chr6-39877578-C-T.
Other names: c.841+1G>A (NM_001358531.2, NM_001358533.2, NM_001358534.2); c.1102+1G>A (NM_001358529.2, NM_001075098.4, NM_005943.6).
Identifiers: ClinVar variation 265444 (VCV000265444.49), dbSNP rs146075796, ClinGen allele CA3796056.
Genomic context (GRCh38, chr6:39,909,834, plus strand): 5'-CTCCCTCCCAGGGACAAGGCCCACTCACCATCCAGGCCAGCCCTCCCCACCCTGCACTTA[C>T]CTGCATGCTGCCGCTTCTTCCTGCCCACAGCAGCCCCAATGATTCTCAGCAGCTCCTGCT-3'